The following is an entry in ClinVar:

ClinVar aggregate classification (germline): Uncertain significance. Review status: criteria provided, multiple submitters, no conflicts (2 of 4 stars). 3 submissions from 3 submitters: Uncertain significance (3). Last evaluated 2025-07-07.

Conditions:
Hereditary cancer-predisposing syndrome. Also called: Tumor predisposition; Hereditary neoplastic syndrome; Neoplastic Syndromes, Hereditary; Hereditary Cancer Syndrome. Identifiers: Orphanet 140162, MedGen C0027672, MeSH D009386, MONDO:0015356.
Retinoblastoma (RB1). Also called: RETINOBLASTOMA, SOMATIC. Identifiers: Orphanet 790, MedGen C0035335, MeSH D012175, MONDO:0008380, OMIM 180200, HP:0009919. Disease mechanism: loss of function. Inheritance: Both sporadic and heritable forms are tested..

Allele frequency attached by ClinVar (database versions not stated): gnomAD exomes below 0.00001 and 0.00001; TOPMed below 0.00001.
gnomAD v4.1: 1 of 1,497,764 alleles (0.000067%); highest among the groups gnomAD compares: Non-Finnish European, 0.000088%; no homozygotes.

Submissions (3):

Labcorp Genetics (formerly Invitae), Labcorp
Classification: Uncertain significance for Retinoblastoma. Last evaluated: 2025-07-07. Review status: criteria provided, single submitter. Criteria: Invitae Variant Classification Sherloc (09022015). Collection method: clinical testing. Allele origin: germline.
Comment: This sequence change replaces proline, which is neutral and non-polar, with leucine, which is neutral and non-polar, at codon 29 of the RB1 protein (p.Pro29Leu). This variant is present in population databases (no rsID available, gnomAD 0.003%). This variant has not been reported in the literature in individuals affected with RB1-related conditions. ClinVar contains an entry for this variant (Variation ID: 861822). Invitae Evidence Modeling of protein sequence and biophysical properties (such as structural, functional, and spatial information, amino acid conservation, physicochemical variation, residue mobility, and thermodynamic stability) has been performed for this missense variant. However, the output from this modeling did not meet the statistical confidence thresholds required to predict the impact of this variant on RB1 protein function. In summary, the available evidence is currently insufficient to determine the role of this variant in disease. Therefore, it has been classified as a Variant of Uncertain Significance.

Ambry Genetics
Classification: Uncertain significance for Hereditary cancer-predisposing syndrome. Last evaluated: 2025-06-06. Review status: criteria provided, single submitter. Criteria: Ambry Variant Classification Scheme 2023. Collection method: clinical testing. Allele origin: germline.
Comment: The p.P29L variant (also known as c.86C>T), located in coding exon 1 of the RB1 gene, results from a C to T substitution at nucleotide position 86. The proline at codon 29 is replaced by leucine, an amino acid with similar properties. This amino acid position is not well conserved in available vertebrate species. In addition, this alteration is predicted to be tolerated by in silico analysis. Since supporting evidence is limited at this time, the clinical significance of this alteration remains unclear.

Color Diagnostics, LLC DBA Color Health
Classification: Uncertain significance for Retinoblastoma. Last evaluated: 2023-10-25. Review status: criteria provided, single submitter. Criteria: ACMG Guidelines, 2015. Collection method: clinical testing. Allele origin: germline.
Comment: This missense variant replaces proline with leucine at codon 29 of the RB1 protein. Computational prediction suggests that this variant may not impact protein structure and function. To our knowledge, functional studies have not been reported for this variant. This variant has not been reported in individuals affected with RB1-related disorders in the literature. This variant has been identified in 1/93652 chromosomes in the general population by the Genome Aggregation Database (gnomAD). The available evidence is insufficient to determine the role of this variant in disease conclusively. Therefore, this variant is classified as a Variant of Uncertain Significance.

NM_000321.3(RB1):c.86C>T (p.Pro29Leu)

Gene: RB1 (RB transcriptional corepressor 1; plus strand). Cytogenetic location: 13q14.2.
Variant type: single nucleotide variant.
Coding change: c.86C>T on transcript NM_000321.3 (MANE Select); coding-DNA position 86, C replaced by T.
Protein change: p.Pro29Leu; replaces proline 29 with leucine.
Molecular consequence: missense variant.
Genome position (GRCh38, 1-based): chr13:48,303,998, C>T. VCF-style: chr13-48303998-C-T. GRCh37 (hg19) VCF-style: chr13-48878134-C-T.
Other names: short protein forms P29L.
Identifiers: ClinVar variation 861822 (VCV000861822.13), dbSNP rs938094455, ClinGen allele CA249842031.